The following is an entry in ClinVar:

ClinVar aggregate classification (germline): Uncertain significance (1 of 4 stars; one submission).

Conditions:
H19-related disorder. Also called: H19-related condition.

Submission:

PreventionGenetics, part of Exact Sciences
Classification: Uncertain significance for H19-related condition. Last evaluated: 2026-04-06. Review status: criteria provided, single submitter. Criteria: ACMG Guidelines, 2015. Collection method: clinical testing. Allele origin: germline.
Comment: The H19 n.-2593G>A variant is predicted to interfere with splicing. This variant resides in the 5' promoter of H19. To our knowledge, this variant has not been reported in the literature. This variant is reported in 0.026% of alleles in individuals of European (Non-Finnish) descent in gnomAD. H19 promoter variants have been associated with Silver-Russel syndrome and Beckwith-Wiedemann syndrome (see for example, Demars et al. 2010. PubMed ID: 20007505); however, no examples occur in the immediate vicinity of this variant. At this time, the clinical significance of this variant is uncertain due to the absence of conclusive functional and genetic evidence.

NC_000011.10:g.2000428C>T

Genes: H19 (H19 imprinted maternally expressed transcript; minus strand), H19-ICR (H19/IGF2 imprinting control region; plus strand), MRPL23 (mitochondrial ribosomal protein L23; plus strand). Cytogenetic location: 11p15.5.
Variant type: single nucleotide variant.
Molecular consequence: intron variant (on NM_001400176.1).
Genome position: GRCh38 VCF-style: chr11-2000428-C-T. GRCh37 (hg19) VCF-style: chr11-2021658-C-T.
Other names: c.498-11113C>T (NM_001400176.1).
Identifiers: ClinVar variation 4984238 (VCV004984238.1).